The following is an entry in ClinVar:

ClinVar aggregate classification (germline): Uncertain significance (1 of 4 stars; one submission).

Conditions:
Granulomatous disease, chronic, X-linked. Also called: CYTOCHROME b-NEGATIVE GRANULOMATOUS DISEASE, CHRONIC, X-LINKED; GRANULOMATOUS DISEASE, CHRONIC, X-LINKED, SOMATIC MOSAIC. Identifiers: Orphanet 379, MedGen C1844376, MONDO:0010600, OMIM 306400.

Submission:

Labcorp Genetics (formerly Invitae), Labcorp
Classification: Uncertain significance for Granulomatous disease, chronic, X-linked. Last evaluated: 2019-06-05. Review status: criteria provided, single submitter. Criteria: Invitae Variant Classification Sherloc (09022015). Collection method: clinical testing. Allele origin: germline.
Comment: In summary, the available evidence is currently insufficient to determine the role of this variant in disease. Therefore, it has been classified as a Variant of Uncertain Significance. Algorithms developed to predict the effect of missense changes on protein structure and function (SIFT, PolyPhen-2, Align-GVGD) all suggest that this variant is likely to be disruptive, but these predictions have not been confirmed by published functional studies and their clinical significance is uncertain. This variant has not been reported in the literature in individuals with CYBB-related conditions. This variant is not present in population databases (ExAC no frequency). This sequence change replaces asparagine with histidine at codon 63 of the CYBB protein (p.Asn63His). The asparagine residue is highly conserved and there is a small physicochemical difference between asparagine and histidine.

NM_000397.4(CYBB):c.187A>C (p.Asn63His)

Gene: CYBB (cytochrome b-245 beta chain; plus strand). Cytogenetic location: Xp21.1.
Variant type: single nucleotide variant.
Coding change: c.187A>C on transcript NM_000397.4 (MANE Select); coding-DNA position 187, A replaced by C.
Protein change: p.Asn63His; replaces asparagine 63 with histidine.
Molecular consequence: missense variant.
Genome position (GRCh38, 1-based): chrX:37,783,535, A>C. VCF-style: chrX-37783535-A-C. GRCh37 (hg19) VCF-style: chrX-37642788-A-C.
Other names: short protein forms N63H.
Identifiers: ClinVar variation 835972 (VCV000835972.10), dbSNP rs1928999111, ClinGen allele CA412972782.